The following is an entry in ClinVar:

ClinVar aggregate classification (germline): Uncertain significance (1 of 4 stars; one submission).

Conditions:
Familial Mediterranean fever (FMF). Also called: Periodic peritonitis; Benign paroxysmal peritonitis; POLYSEROSITIS, FAMILIAL PAROXYSMAL; POLYSEROSITIS, RECURRENT. Identifiers: Orphanet 342, MedGen C0031069, MONDO:0018088, OMIM 249100. Disease mechanism: gain of function.

Submission:

Labcorp Genetics (formerly Invitae), Labcorp
Classification: Uncertain significance for Familial Mediterranean fever. Last evaluated: 2022-09-13. Review status: criteria provided, single submitter. Criteria: Invitae Variant Classification Sherloc (09022015). Collection method: clinical testing. Allele origin: germline.
Comment: In summary, the available evidence is currently insufficient to determine the role of this variant in disease. Therefore, it has been classified as a Variant of Uncertain Significance. Algorithms developed to predict the effect of missense changes on protein structure and function are either unavailable or do not agree on the potential impact of this missense change (SIFT: "Tolerated"; PolyPhen-2: "Probably Damaging"; Align-GVGD: "Class C0"). ClinVar contains an entry for this variant (Variation ID: 1423646). This variant has not been reported in the literature in individuals affected with MEFV-related conditions. This variant is not present in population databases (gnomAD no frequency). This sequence change replaces tyrosine, which is neutral and polar, with asparagine, which is neutral and polar, at codon 61 of the MEFV protein (p.Tyr61Asn).

NM_000243.3(MEFV):c.181T>A (p.Tyr61Asn)

Gene: MEFV (MEFV innate immunity regulator, pyrin; minus strand). Cytogenetic location: 16p13.3.
Variant type: single nucleotide variant.
Coding change: c.181T>A on transcript NM_000243.3 (MANE Select); coding-DNA position 181, T replaced by A.
Protein change: p.Tyr61Asn; replaces tyrosine 61 with asparagine.
Molecular consequence: missense variant.
Genome position (GRCh38, 1-based): chr16:3,256,407, A>T on the plus strand (T>A on the coding strand, the complement: MEFV is on the minus strand). VCF-style: chr16-3256407-A-T. GRCh37 (hg19) VCF-style: chr16-3306407-A-T.
Other names: c.181T>A, p.Tyr61Asn (NM_001198536.2); short protein forms Y61N.
Identifiers: ClinVar variation 1423646 (VCV001423646.6), dbSNP rs768043268, ClinGen allele CA394483908.